The following is an entry in ClinVar:

NM_001174150.2(ARL13B):c.798+4T>C

Gene: ARL13B (ARF like GTPase 13B; plus strand). Cytogenetic location: 3q11.2.
Variant type: single nucleotide variant.
Coding change: c.798+4T>C on transcript NM_001174150.2 (MANE Select); 4 bases into the intron after coding-DNA position 798, T replaced by C.
Molecular consequence: intron variant.
Genome position (GRCh38, 1-based): chr3:94,039,992, T>C. VCF-style: chr3-94039992-T-C. GRCh37 (hg19) VCF-style: chr3-93758836-T-C.
Other names: c.753+4T>C (NM_001321328.2); c.798+4T>C (NM_182896.3); c.489+4T>C (NM_001174151.2); c.477+4T>C (NM_144996.4).
Identifiers: ClinVar variation 2093938 (VCV002093938.2), dbSNP rs1458854195, ClinGen allele CA544763461.

ClinVar aggregate classification (germline): Conflicting classifications of pathogenicity. Review status: criteria provided, conflicting classifications (1 of 4 stars). 2 submissions from 2 submitters: Uncertain significance (1); Likely benign (1). Last evaluated 2022-07-03.

Conditions:
Joubert syndrome 8 (JBTS8). Identifiers: Orphanet 475, MedGen C2676771, MONDO:0012855, OMIM 612291.

Allele frequency attached by ClinVar (database versions not stated): gnomAD exomes below 0.00001.
gnomAD v4.1: 2 of 1,611,950 alleles (0.00012%); highest among the groups gnomAD compares: East Asian, 0.0045%; no homozygotes.

Submissions (2):

Labcorp Genetics (formerly Invitae), Labcorp
Classification: Uncertain significance for Joubert syndrome 8. Last evaluated: 2022-07-03. Review status: criteria provided, single submitter. Criteria: Invitae Variant Classification Sherloc (09022015). Collection method: clinical testing. Allele origin: germline.
Comment: This sequence change falls in intron 6 of the ARL13B gene. It does not directly change the encoded amino acid sequence of the ARL13B protein. It affects a nucleotide within the consensus splice site. This variant is present in population databases (no rsID available, gnomAD 0.01%). This variant has not been reported in the literature in individuals affected with ARL13B-related conditions. Variants that disrupt the consensus splice site are a relatively common cause of aberrant splicing (PMID: 17576681, 9536098). Algorithms developed to predict the effect of sequence changes on RNA splicing suggest that this variant is not likely to affect RNA splicing. In summary, the available evidence is currently insufficient to determine the role of this variant in disease. Therefore, it has been classified as a Variant of Uncertain Significance.

Blueprint Genetics
Classification: Likely benign. Last evaluated: 2019-09-30. Review status: criteria provided, single submitter. Criteria: ACMG Guidelines, 2015. Collection method: clinical testing. Allele origin: germline.

Literature cited by the submitters: PubMed 17576681 (cited by Labcorp Genetics (formerly Invitae), Labcorp); PubMed 9536098 (cited by Labcorp Genetics (formerly Invitae), Labcorp).